The following is an entry in ClinVar:

ClinVar aggregate classification (germline): Uncertain significance (1 of 4 stars; one submission).

Allele frequency attached by ClinVar (database versions not stated): TOPMed below 0.00001.
gnomAD v4.1: 5 of 1,613,648 alleles (0.00031%); highest among the groups gnomAD compares: Non-Finnish European, 0.00042%; no homozygotes.

Submission:

Ambry Genetics
Classification: Uncertain significance. Last evaluated: 2024-10-12. Review status: criteria provided, single submitter. Criteria: Ambry Variant Classification Scheme 2023. Collection method: clinical testing. Allele origin: germline.
Comment: The p.G845R variant (also known as c.2533G>C), located in coding exon 4 of the ALPK2 gene, results from a G to C substitution at nucleotide position 2533. The glycine at codon 845 is replaced by arginine, an amino acid with dissimilar properties. This amino acid position is conserved. In addition, this alteration is predicted to be tolerated by in silico analysis. Since supporting evidence is limited at this time, the clinical significance of this alteration remains unclear.

NM_052947.4(ALPK2):c.2533G>C (p.Gly845Arg)

Gene: ALPK2 (alpha kinase 2; minus strand). Cytogenetic location: 18q21.31.
Variant type: single nucleotide variant.
Coding change: c.2533G>C on transcript NM_052947.4 (MANE Select); coding-DNA position 2533, G replaced by C.
Protein change: p.Gly845Arg; replaces glycine 845 with arginine.
Molecular consequence: missense variant.
Genome position (GRCh38, 1-based): chr18:58,537,654, C>G on the plus strand (G>C on the coding strand, the complement: ALPK2 is on the minus strand). VCF-style: chr18-58537654-C-G. GRCh37 (hg19) VCF-style: chr18-56204886-C-G.
Other names: short protein forms G845R.
Identifiers: ClinVar variation 1792732 (VCV001792732.3), dbSNP rs2051660653, ClinGen allele CA402570325.